The following is an entry in ClinVar:

ClinVar aggregate classification (germline): Uncertain significance (1 of 4 stars; one submission).

Submission:

Ambry Genetics
Classification: Uncertain significance. Last evaluated: 2023-07-27. Review status: criteria provided, single submitter. Criteria: Ambry Variant Classification Scheme 2023. Collection method: clinical testing. Allele origin: germline.
Comment: The p.A220G variant (also known as c.659C>G), located in coding exon 1 of the TERF2IP gene, results from a C to G substitution at nucleotide position 659. The alanine at codon 220 is replaced by glycine, an amino acid with similar properties. This amino acid position is conserved. In addition, this alteration is predicted to be tolerated by in silico analysis. Since supporting evidence is limited at this time, the clinical significance of this alteration remains unclear.

NM_018975.4(TERF2IP):c.659C>G (p.Ala220Gly)

Gene: TERF2IP (TERF2 interacting protein; plus strand). Cytogenetic location: 16q23.1.
Variant type: single nucleotide variant.
Coding change: c.659C>G on transcript NM_018975.4 (MANE Select); coding-DNA position 659, C replaced by G.
Protein change: p.Ala220Gly; replaces alanine 220 with glycine.
Molecular consequence: missense variant. On other transcripts: non-coding transcript variant (1).
Genome position (GRCh38, 1-based): chr16:75,648,541, C>G. VCF-style: chr16-75648541-C-G. GRCh37 (hg19) VCF-style: chr16-75682439-C-G.
Other names: short protein forms A220G.
Identifiers: ClinVar variation 2625590 (VCV002625590.2), dbSNP rs1345270447, ClinGen allele CA396818389.